The following is an entry in ClinVar:

NM_001367823.1(ARHGEF18):c.1105G>C (p.Gly369Arg)

Gene: ARHGEF18 (Rho/Rac guanine nucleotide exchange factor 18; plus strand). Cytogenetic location: 19p13.2.
Variant type: single nucleotide variant.
Coding change: c.1105G>C on transcript NM_001367823.1 (MANE Select); coding-DNA position 1105, G replaced by C.
Protein change: p.Gly369Arg; replaces glycine 369 with arginine.
Molecular consequence: missense variant.
Genome position (GRCh38, 1-based): chr19:7,440,481, G>C. VCF-style: chr19-7440481-G-C. GRCh37 (hg19) VCF-style: chr19-7505367-G-C.
Other names: c.379G>C, p.Gly127Arg (NM_001130955.2); c.67G>C, p.Gly23Arg (NM_001367824.1, NM_015318.4); short protein forms G23R, G369R, G127R.
Identifiers: ClinVar variation 1434263 (VCV001434263.10), dbSNP rs115555106, ClinGen allele CA9136332.
Genomic context (GRCh38, chr19:7,440,481, plus strand): 5'-GTCTCTCAGAAAGGGGGTCCCCAGCCAACACCGAGCCCGGCTGGCCCTGGGACGCAACTC[G>C]GGTAAGCCAGGGTCCCCTCTGTGCCCTCGGGTGGGTGGTGGCATTCCCCGGGGAGCTGTT-3'
Protein context (NP_001354752.1, residues 359-379): PSPAGPGTQL[Gly369Arg]PITGEMDEAD

ClinVar aggregate classification (germline): Uncertain significance. Review status: criteria provided, multiple submitters, no conflicts (2 of 4 stars). 3 submissions from 3 submitters: Uncertain significance (3). Last evaluated 2022-07-25.

Conditions:
Retinitis pigmentosa 78 (RP78). Identifiers: MedGen C4479481, MONDO:0044314, OMIM 617433.

gnomAD v4.1: 22 of 1,595,496 alleles (0.0014%); highest among the groups gnomAD compares: Non-Finnish European, 0.0019%; no homozygotes.

Submissions (3):

Labcorp Genetics (formerly Invitae), Labcorp
Classification: Uncertain significance. Last evaluated: 2022-07-25. Review status: criteria provided, single submitter. Criteria: Invitae Variant Classification Sherloc (09022015). Collection method: clinical testing. Allele origin: germline.
Comment: In summary, the available evidence is currently insufficient to determine the role of this variant in disease. Therefore, it has been classified as a Variant of Uncertain Significance. Algorithms developed to predict the effect of missense changes on protein structure and function (SIFT, PolyPhen-2, Align-GVGD) all suggest that this variant is likely to be disruptive. ClinVar contains an entry for this variant (Variation ID: 1434263). This variant has not been reported in the literature in individuals affected with ARHGEF18-related conditions. This variant is present in population databases (rs115555106, gnomAD 0.0009%). This sequence change replaces glycine, which is neutral and non-polar, with arginine, which is basic and polar, at codon 181 of the ARHGEF18 protein (p.Gly181Arg).

Fulgent Genetics
Classification: Uncertain significance for Retinitis pigmentosa 78. Last evaluated: 2021-07-24. Review status: criteria provided, single submitter. Criteria: ACMG Guidelines, 2015. Collection method: clinical testing. Allele origin: unknown.

Blueprint Genetics
Classification: Uncertain significance. Last evaluated: 2018-11-02. Review status: criteria provided, single submitter. Criteria: ACMG Guidelines, 2015. Collection method: clinical testing. Allele origin: germline.